The following is an entry in ClinVar:

NM_015046.7(SETX):c.4723G>T (p.Asp1575Tyr)

Gene: SETX (senataxin; minus strand). Cytogenetic location: 9q34.13.
Variant type: single nucleotide variant.
Coding change: c.4723G>T on transcript NM_015046.7 (MANE Select); coding-DNA position 4723, G replaced by T.
Protein change: p.Asp1575Tyr; replaces aspartic acid 1575 with tyrosine.
Molecular consequence: missense variant.
Genome position (GRCh38, 1-based): chr9:132,326,875, C>A on the plus strand (G>T on the coding strand, the complement: SETX is on the minus strand). VCF-style: chr9-132326875-C-A. GRCh37 (hg19) VCF-style: chr9-135202262-C-A.
Other names: c.4723G>T, p.Asp1575Tyr (NM_001351527.2, NM_001351528.2); short protein forms D1575Y.
Identifiers: ClinVar variation 1507606 (VCV001507606.6), dbSNP rs781383567, ClinGen allele CA375324769.

ClinVar aggregate classification (germline): Uncertain significance (1 of 4 stars; one submission).

Conditions:
Amyotrophic lateral sclerosis type 4 (ALS4). Also called: NEURONOPATHY, DISTAL HEREDITARY MOTOR, WITH PYRAMIDAL FEATURES; AMYOTROPHIC LATERAL SCLEROSIS 4, JUVENILE. Identifiers: Orphanet 357043, MedGen C1865409, MONDO:0011223, OMIM 602433.
Spinocerebellar ataxia, autosomal recessive, with axonal neuropathy 2 (SCAN2). Also called: Ataxia-ocular apraxia-2; Ataxia with Oculomotor Apraxia Type 2; Ataxia with Oculomotor Apraxia; ATAXIA-OCULOMOTOR APRAXIA 2. Identifiers: Orphanet 64753, MedGen C1853761, MONDO:0018996, OMIM 606002.

Allele frequency attached by ClinVar (database versions not stated): gnomAD 0.00001.
gnomAD v4.1: 4 of 1,614,178 alleles (0.00025%); highest among the groups gnomAD compares: Middle Eastern, 0.033%; no homozygotes.

Submission:

Labcorp Genetics (formerly Invitae), Labcorp
Classification: Uncertain significance for Amyotrophic lateral sclerosis type 4; Spinocerebellar ataxia, autosomal recessive, with axonal neuropathy 2. Last evaluated: 2021-10-23. Review status: criteria provided, single submitter. Criteria: Invitae Variant Classification Sherloc (09022015). Collection method: clinical testing. Allele origin: germline.
Comment: In summary, the available evidence is currently insufficient to determine the role of this variant in disease. Therefore, it has been classified as a Variant of Uncertain Significance. Advanced modeling of protein sequence and biophysical properties (such as structural, functional, and spatial information, amino acid conservation, physicochemical variation, residue mobility, and thermodynamic stability) performed at Invitae indicates that this missense variant is expected to disrupt SETX protein function. This variant has not been reported in the literature in individuals affected with SETX-related conditions. This variant is not present in population databases (ExAC no frequency). This sequence change replaces aspartic acid with tyrosine at codon 1575 of the SETX protein (p.Asp1575Tyr). The aspartic acid residue is moderately conserved and there is a large physicochemical difference between aspartic acid and tyrosine.